The following is an entry in ClinVar:

NM_032808.7(LINGO1):c.1668C>T (p.Thr556=)

Gene: LINGO1 (leucine rich repeat and Ig domain containing 1; minus strand). Cytogenetic location: 15q24.3.
Variant type: single nucleotide variant.
Coding change: c.1668C>T on transcript NM_032808.7 (MANE Select); coding-DNA position 1668, C replaced by T.
Protein change: p.Thr556=; no amino-acid change (threonine 556 retained).
Molecular consequence: synonymous variant.
Genome position (GRCh38, 1-based): chr15:77,614,239, G>A on the plus strand (C>T on the coding strand, the complement: LINGO1 is on the minus strand). VCF-style: chr15-77614239-G-A. GRCh37 (hg19) VCF-style: chr15-77906581-G-A.
Other names: c.1650C>T, p.Thr550= (NM_001301200.2, NM_001301186.2, NM_001301187.2 and 8 more transcripts).
Identifiers: ClinVar variation 3033788 (VCV003033788.6), dbSNP rs200917454, ClinGen allele CA7677734.

ClinVar aggregate classification (germline): Likely benign. Review status: criteria provided, single submitter (1 of 4 stars). 2 submissions from 2 submitters: Likely benign (1). 1 of the submissions does not count toward it. Last evaluated 2026-03-01.

Conditions:
LINGO1-related disorder. Also called: LINGO1-related condition.

Allele frequency attached by ClinVar (database versions not stated): ExAC 0.00007; TOPMed 0.00009; gnomAD 0.00011; gnomAD exomes 0.00011; 1000 Genomes Project 30x 0.00016; 1000 Genomes Project 0.00020.
gnomAD v4.1: 195 of 1,614,038 alleles (0.012%); highest among the groups gnomAD compares: Middle Eastern, 0.15%; no homozygotes.

Submissions (2):

CeGaT Center for Human Genetics Tuebingen
Classification: Likely benign. Last evaluated: 2026-03-01. Review status: criteria provided, single submitter. Criteria: CeGaT Center For Human Genetics Tuebingen Variant Classification Criteria Version 2. Collection method: clinical testing. Allele origin: germline. Affected: yes. Observed: 1 variant allele.
Comment: LINGO1: BP4, BP7

PreventionGenetics, part of Exact Sciences
Classification: Likely benign for LINGO1-related condition. Last evaluated: 2019-06-11. Review status: no assertion criteria provided. Collection method: clinical testing. Allele origin: germline. Not counted in ClinVar's aggregate classification.
Comment: This variant is classified as likely benign based on ACMG/AMP sequence variant interpretation guidelines (Richards et al. 2015 PMID: 25741868, with internal and published modifications).